The following is an entry in ClinVar:

ClinVar aggregate classification (germline): Uncertain significance. Review status: criteria provided, single submitter (1 of 4 stars). 2 submissions from 2 submitters: Uncertain significance (1). 1 of the submissions does not count toward it. Last evaluated 2025-12-22.

Conditions:
Cardiomyopathy (CMYO). Also called: Cardiomyopathies. Identifiers: Orphanet 167848, MedGen C0878544, MONDO:0004994, HP:0001638. Inheritance: Various modes of inheritance.
Duchenne muscular dystrophy (DMD). Also called: MUSCULAR DYSTROPHY, PSEUDOHYPERTROPHIC PROGRESSIVE, DUCHENNE TYPE; Duchenne Muscular Dystrophy (DMD). Identifiers: Orphanet 98896, MedGen C0013264, MONDO:0010679, OMIM 310200.
Becker muscular dystrophy (BMD). Also called: MUSCULAR DYSTROPHY, PSEUDOHYPERTROPHIC PROGRESSIVE, BECKER TYPE; Becker Muscular Dystrophy (BMD). Identifiers: Orphanet 98895, MedGen C0917713, MONDO:0010311, OMIM 300376.
Dystrophin deficiency.

Allele frequency attached by ClinVar (database versions not stated): gnomAD exomes below 0.00001 and 0.00001; ExAC 0.00001.
gnomAD v4.1: 1 of 1,211,200 alleles (0.000083%); highest among the groups gnomAD compares: Admixed American, 0.0022%; no homozygotes.

Submissions (2):

Labcorp Genetics (formerly Invitae), Labcorp
Classification: Uncertain significance for Duchenne muscular dystrophy. Last evaluated: 2025-12-22. Review status: criteria provided, single submitter. Criteria: Invitae Variant Classification Sherloc (09022015). Collection method: clinical testing. Allele origin: germline.
Comment: This sequence change replaces glutamic acid, which is acidic and polar, with aspartic acid, which is acidic and polar, at codon 1759 of the DMD protein (p.Glu1759Asp). This variant is present in population databases (rs761491343, gnomAD 0.004%). This variant has not been reported in the literature in individuals affected with DMD-related conditions. ClinVar contains an entry for this variant (Variation ID: 580008). Invitae Evidence Modeling of protein sequence and biophysical properties (such as structural, functional, and spatial information, amino acid conservation, physicochemical variation, residue mobility, and thermodynamic stability) indicates that this missense variant is not expected to disrupt DMD protein function with a negative predictive value of 95%. In summary, the available evidence is currently insufficient to determine the role of this variant in disease. Therefore, it has been classified as a Variant of Uncertain Significance.

Natera, Inc.
Classification: Uncertain significance for Becker muscular dystrophy; Cardiomyopathy; Duchenne muscular dystrophy; Dystrophin deficiency. Last evaluated: 2019-07-29. Review status: no assertion criteria provided. Collection method: clinical testing. Allele origin: germline. Not counted in ClinVar's aggregate classification.

NM_004006.3(DMD):c.5277G>T (p.Glu1759Asp)

Gene: DMD (dystrophin; minus strand). Cytogenetic location: Xp21.1.
Variant type: single nucleotide variant.
Coding change: c.5277G>T on transcript NM_004006.3 (MANE Select); coding-DNA position 5277, G replaced by T.
Protein change: p.Glu1759Asp; replaces glutamic acid 1759 with aspartic acid.
Molecular consequence: missense variant.
Genome position (GRCh38, 1-based): chrX:32,362,836, C>A on the plus strand (G>T on the coding strand, the complement: DMD is on the minus strand). VCF-style: chrX-32362836-C-A. GRCh37 (hg19) VCF-style: chrX-32380953-C-A.
Other names: c.5253G>T, p.Glu1751Asp (NM_000109.4); c.5265G>T, p.Glu1755Asp (NM_004009.3); c.4908G>T, p.Glu1636Asp (NM_004010.3); c.1254G>T, p.Glu418Asp (NM_004011.4); c.1245G>T, p.Glu415Asp (NM_004012.4); short protein forms E1759D, E1636D, E1755D, E415D, E418D, E1751D.
Identifiers: ClinVar variation 580008 (VCV000580008.8), dbSNP rs761491343, ClinGen allele CA10378735.
Genomic context (GRCh38, chrX:32,362,836, plus strand): 5'-AGATCTTCCTACCTTTCCAGTCTTAATTCTGTGTGAAATGGCTGCAAATCGATGGTTGAG[C>A]TCTGAGATTTGGGGCTCTACTAATTTCCTGCAGTGGTCACCGCGGTTTGCCATCAAGTTT-3'
Protein context (NP_003997.2, residues 1749-1769): CRKLVEPQIS[Glu1759Asp]LNHRFAAISH